The following is an entry in ClinVar:

NM_002890.3(RASA1):c.2138C>G (p.Ser713Cys)

Genes: CCNH (cyclin H; minus strand), RASA1 (RAS p21 protein activator 1; plus strand). Cytogenetic location: 5q14.3.
Variant type: single nucleotide variant.
Coding change: c.2138C>G on transcript NM_002890.3 (MANE Select); coding-DNA position 2138, C replaced by G.
Protein change: p.Ser713Cys; replaces serine 713 with cysteine.
Molecular consequence: missense variant. On other transcripts: intron variant (1).
Genome position (GRCh38, 1-based): chr5:87,376,519, C>G. VCF-style: chr5-87376519-C-G. GRCh37 (hg19) VCF-style: chr5-86672336-C-G.
Other names: c.1607C>G, p.Ser536Cys (NM_022650.3); c.933+18525G>C (NM_001364075.2); short protein forms S713C, S536C.
Identifiers: ClinVar variation 838892 (VCV000838892.10), dbSNP rs745960407, ClinGen allele CA3335927.
Genomic context (GRCh38, chr5:87,376,519, plus strand): 5'-GCTCCCATATACCATTAAAAGGTATTGAACCAGGGTCCCTGCGTGTTCGAGCACGATACT[C>G]TATGGAAAAAATCATGCCAGAAGAAGAGTACAGTGAATTTAAAGAGGTATTAAATTATTT-3'
Protein context (NP_002881.1, residues 703-723): PGSLRVRARY[Ser713Cys]MEKIMPEEEY

ClinVar aggregate classification (germline): Conflicting classifications of pathogenicity. Review status: criteria provided, conflicting classifications (1 of 4 stars). 2 submissions from 2 submitters: Uncertain significance (1); Likely benign (1). Last evaluated 2026-02-02.

Conditions:
Cardiovascular phenotype. Identifiers: MedGen CN230736.
Capillary malformation-arteriovenous malformation syndrome. Also called: Capillary malformation-arteriovenous malformation. Identifiers: Orphanet 137667, MedGen C1842180, MONDO:0012016.

Allele frequency attached by ClinVar (database versions not stated): TOPMed 0.00002; gnomAD 0.00003 and 0.00004; ExAC 0.00001; gnomAD exomes 0.00001.
gnomAD v4.1: 15 of 1,613,750 alleles (0.00093%); highest among the groups gnomAD compares: Admixed American, 0.0083%; no homozygotes.

Submissions (2):

Labcorp Genetics (formerly Invitae), Labcorp
Classification: Uncertain significance for Capillary malformation-arteriovenous malformation syndrome. Last evaluated: 2026-02-02. Review status: criteria provided, single submitter. Criteria: Invitae Variant Classification Sherloc (09022015). Collection method: clinical testing. Allele origin: germline.
Comment: This sequence change replaces serine, which is neutral and polar, with cysteine, which is neutral and slightly polar, at codon 713 of the RASA1 protein (p.Ser713Cys). This variant is present in population databases (rs745960407, gnomAD 0.006%). This variant has not been reported in the literature in individuals affected with RASA1-related conditions. ClinVar contains an entry for this variant (Variation ID: 838892). An algorithm developed to predict the effect of missense changes on protein structure and function outputs the following: PolyPhen-2: "Probably Damaging". The cysteine amino acid residue is found in multiple mammalian species, which suggests that this missense change does not adversely affect protein function. In summary, the available evidence is currently insufficient to determine the role of this variant in disease. Therefore, it has been classified as a Variant of Uncertain Significance.

Ambry Genetics
Classification: Likely benign for Cardiovascular phenotype. Last evaluated: 2021-10-06. Review status: criteria provided, single submitter. Criteria: Ambry Variant Classification Scheme 2023. Collection method: clinical testing. Allele origin: germline.